The following is an entry in ClinVar:

NM_203475.3(PORCN):c.1186C>T (p.Arg396Ter)

Gene: PORCN (porcupine O-acyltransferase; plus strand). Cytogenetic location: Xp11.23.
Variant type: single nucleotide variant.
Coding change: c.1186C>T on transcript NM_203475.3 (MANE Select); coding-DNA position 1186, C replaced by T.
Protein change: p.Arg396Ter; replaces arginine 396 with a stop codon.
Molecular consequence: nonsense.
Genome position (GRCh38, 1-based): chrX:48,517,195, C>T. VCF-style: chrX-48517195-C-T. GRCh37 (hg19) VCF-style: chrX-48375583-C-T.
Other names: c.940C>T, p.Arg314Ter (NM_001282167.2); c.1153C>T, p.Arg385Ter (NM_022825.4); c.1171C>T, p.Arg391Ter (NM_203473.3); c.1168C>T, p.Arg390Ter (NM_203474.1); short protein forms R314*, R385*, R390*, R391*, R396*.
Identifiers: ClinVar variation 1338975 (VCV001338975.8), dbSNP rs2147139830, ClinGen allele CA412849355.

ClinVar aggregate classification (germline): Pathogenic/Likely pathogenic. Review status: criteria provided, multiple submitters, no conflicts (2 of 4 stars). 2 submissions from 2 submitters: Pathogenic (1); Likely pathogenic (1). Last evaluated 2023-09-01.

Conditions:
Focal dermal hypoplasia (FDH). Also called: Goltz syndrome. Identifiers: Orphanet 2092, MedGen C0016395, MONDO:0010592, OMIM 305600.

Submissions (2):

Labcorp Genetics (formerly Invitae), Labcorp
Classification: Pathogenic. Last evaluated: 2023-09-01. Review status: criteria provided, single submitter. Criteria: Invitae Variant Classification Sherloc (09022015). Collection method: clinical testing. Allele origin: germline.
Comment: This sequence change creates a premature translational stop signal (p.Arg396*) in the PORCN gene. It is expected to result in an absent or disrupted protein product. Loss-of-function variants in PORCN are known to be pathogenic (PMID: 17546030, 19309688). This variant is not present in population databases (gnomAD no frequency). This premature translational stop signal has been observed in individual(s) with focal dermal hypoplasia (PMID: 19309688). ClinVar contains an entry for this variant (Variation ID: 1338975). For these reasons, this variant has been classified as Pathogenic.

Neuberg Centre For Genomic Medicine, NCGM
Classification: Likely pathogenic for Focal dermal hypoplasia. Review status: criteria provided, single submitter. Criteria: ACMG Guidelines, 2015. Collection method: clinical testing. Allele origin: germline. Affected: yes.
Comment: The stop gained p.R396* in PORCN (NM_203475.3) has not been reported previously as a pathogenic variant nor as a benign variant, to our knowledge. The p.R396* variant is novel (not in any individuals) in gnomAD Exomes and is novel (not in any individuals) in 1000 Genomes. This variant is predicted to cause loss of normal protein function through protein truncation. For these reasons, this variant has been classified as Likely Pathogenic.

Literature cited by the submitters: PubMed 17546030 (cited by Labcorp Genetics (formerly Invitae), Labcorp); PubMed 19309688 (cited by Labcorp Genetics (formerly Invitae), Labcorp).